The following is an entry in ClinVar:

ClinVar aggregate classification (germline): Benign/Likely benign. Review status: criteria provided, multiple submitters, no conflicts (2 of 4 stars). 3 submissions from 3 submitters: Benign (2); Likely benign (1). Last evaluated 2026-07-01.

Allele frequency attached by ClinVar (database versions not stated): 1000 Genomes Project 30x 0.00047; 1000 Genomes Project 0.00060; TOPMed 0.00117; gnomAD 0.00119 and 0.00125; ESP Exome Variant Server 0.00134; gnomAD exomes 0.00148 and 0.00219; ExAC 0.00166.
gnomAD v4.1: 3,336 of 1,614,122 alleles (0.21%); highest among the groups gnomAD compares: Non-Finnish European, 0.26%; 10 homozygotes.

Submissions (3):

CeGaT Center for Human Genetics Tuebingen
Classification: Likely benign. Last evaluated: 2026-07-01. Review status: criteria provided, single submitter. Criteria: CeGaT Center For Human Genetics Tuebingen Variant Classification Criteria Version 2. Collection method: clinical testing. Allele origin: germline. Affected: yes. Observed: 9 variant alleles.
Comment: HIVEP2: BP4, BP7, BS1

Labcorp Genetics (formerly Invitae), Labcorp
Classification: Benign. Last evaluated: 2026-02-02. Review status: criteria provided, single submitter. Criteria: Invitae Variant Classification Sherloc (09022015). Collection method: clinical testing. Allele origin: germline.

Genetic Services Laboratory, University of Chicago
Classification: Benign. Last evaluated: 2020-05-28. Review status: criteria provided, single submitter. Criteria: ACMG Guidelines, 2015. Collection method: clinical testing. Allele origin: germline. Affected: no.

NM_006734.4(HIVEP2):c.2178C>T (p.Ser726=)

Gene: HIVEP2 (HIVEP zinc finger 2; minus strand). Cytogenetic location: 6q24.2.
Variant type: single nucleotide variant.
Coding change: c.2178C>T on transcript NM_006734.4 (MANE Select); coding-DNA position 2178, C replaced by T.
Protein change: p.Ser726=; no amino-acid change (serine 726 retained).
Molecular consequence: synonymous variant.
Genome position (GRCh38, 1-based): chr6:142,772,561, G>A on the plus strand (C>T on the coding strand, the complement: HIVEP2 is on the minus strand). VCF-style: chr6-142772561-G-A. GRCh37 (hg19) VCF-style: chr6-143093698-G-A.
Identifiers: ClinVar variation 746784 (VCV000746784.36), dbSNP rs149027798, ClinGen allele CA4028464.